The following is an entry in ClinVar:

NM_001378609.3(OTOGL):c.6267+1G>T

Gene: OTOGL (otogelin like; plus strand). Cytogenetic location: 12q21.31.
Variant type: single nucleotide variant.
Coding change: c.6267+1G>T on transcript NM_001378609.3 (MANE Select); the canonical splice donor site of the intron after coding-DNA position 6267, G replaced by T.
Molecular consequence: splice donor variant.
Genome position (GRCh38, 1-based): chr12:80,358,901, G>T. VCF-style: chr12-80358901-G-T. GRCh37 (hg19) VCF-style: chr12-80752681-G-T.
Other names: c.6132+1G>T (NM_001368062.3); c.6267+1G>T (NM_001378610.3, NM_173591.7).
Identifiers: ClinVar variation 3029533 (VCV003029533.2), dbSNP rs1476896214, ClinGen allele CA385888993.
Genomic context (GRCh38, chr12:80,358,901, plus strand): 5'-GTTGATTTTTGCCTTTTAGAATGTAACTGTGAAAACCTTATTATGCCAACTTGTGAAGTG[G>T]TAAGAACACATATTTTGATTGACTTGTCATATTTATTTAAATCTGTTTATTCTTCCTTTA-3'

ClinVar aggregate classification (germline): Likely pathogenic (0 of 4 stars; one submission).

Conditions:
OTOGL-related disorder. Also called: OTOGL-related condition.

gnomAD v4.1: 3 of 1,485,420 alleles (0.0002%); highest among the groups gnomAD compares: Non-Finnish European, 0.00018%; no homozygotes.

Submission:

PreventionGenetics, part of Exact Sciences
Classification: Likely pathogenic for OTOGL-related condition. Last evaluated: 2023-10-18. Review status: no assertion criteria provided. Collection method: clinical testing. Allele origin: germline.
Comment: The OTOGL c.6240+1G>T variant is predicted to disrupt the GT donor site and interfere with normal splicing. To our knowledge, this variant has not been reported in the literature. This variant is reported in 0.014% of alleles in individuals of European (Finnish) descent in gnomAD. Variants that disrupt the consensus splice donor site in OTOGL are expected to be pathogenic. This variant is interpreted as likely pathogenic.